The following is an entry in ClinVar:

NM_018136.5(ASPM):c.69del (p.Leu24fs)

Gene: ASPM (assembly factor for spindle microtubules; minus strand). Cytogenetic location: 1q31.3.
Variant type: Deletion.
Coding change: c.69del on transcript NM_018136.5 (MANE Select); coding-DNA position 69, one base deleted (G; older notation c.69delG).
Protein change: p.Leu24fs; shifts the reading frame from leucine 24.
Molecular consequence: frameshift variant.
Genome position (GRCh38, 1-based): chr1:197,146,369, C deleted on the plus strand (G on the coding strand, the reverse complement: ASPM is on the minus strand); the first of 4 consecutive C bases (chr1:197,146,369-197,146,372); deleting any one gives the same sequence. VCF-style (leftmost placement, unchanged base first): chr1-197146368-GC-G. GRCh37 (hg19) VCF-style: chr1-197115498-GC-G.
Other names: c.69del, p.Leu24fs (NM_001206846.2); short protein forms L24fs.
Identifiers: ClinVar variation 3645086 (VCV003645086.2).

ClinVar aggregate classification (germline): Pathogenic (1 of 4 stars; one submission).

Submission:

Labcorp Genetics (formerly Invitae), Labcorp
Classification: Pathogenic. Last evaluated: 2024-03-18. Review status: criteria provided, single submitter. Criteria: Invitae Variant Classification Sherloc (09022015). Collection method: clinical testing. Allele origin: germline.
Comment: This sequence change creates a premature translational stop signal (p.Leu24Cysfs*44) in the ASPM gene. It is expected to result in an absent or disrupted protein product. Loss-of-function variants in ASPM are known to be pathogenic (PMID: 19028728, 23611254). This variant is not present in population databases (gnomAD no frequency). This variant has not been reported in the literature in individuals affected with ASPM-related conditions. For these reasons, this variant has been classified as Pathogenic.

Literature cited by the submitters: PubMed 19028728; PubMed 23611254.